The following is an entry in ClinVar:

NM_000341.4(SLC3A1):c.8A>G (p.Glu3Gly)

Gene: SLC3A1 (solute carrier family 3 member 1; plus strand). Cytogenetic location: 2p21.
Variant type: single nucleotide variant.
Coding change: c.8A>G on transcript NM_000341.4 (MANE Select); coding-DNA position 8, A replaced by G.
Protein change: p.Glu3Gly; replaces glutamic acid 3 with glycine.
Molecular consequence: missense variant.
Genome position (GRCh38, 1-based): chr2:44,275,543, A>G. VCF-style: chr2-44275543-A-G. GRCh37 (hg19) VCF-style: chr2-44502682-A-G.
Other names: short protein forms E3G.
Identifiers: ClinVar variation 2068627 (VCV002068627.4), dbSNP rs138311995, ClinGen allele CA1639986.

ClinVar aggregate classification (germline): Uncertain significance (1 of 4 stars; one submission).

Conditions:
Cystinuria (CSNU). Also called: CYSTINURIA, TYPE I; CYSTINURIA, TYPE II; CYSTINURIA, TYPE III; Cystinuria, non-type I. Identifiers: Orphanet 214, MedGen C0010691, MONDO:0009067, OMIM 220100, HP:0003131.

Allele frequency attached by ClinVar (database versions not stated): gnomAD 0.00016; TOPMed 0.00021; ESP Exome Variant Server 0.00023; ExAC 0.00025; gnomAD exomes 0.00014.
gnomAD v4.1: 237 of 1,614,074 alleles (0.015%); highest among the groups gnomAD compares: South Asian, 0.12%; 4 homozygotes.

Submission:

Labcorp Genetics (formerly Invitae), Labcorp
Classification: Uncertain significance for Cystinuria. Last evaluated: 2024-12-12. Review status: criteria provided, single submitter. Criteria: Invitae Variant Classification Sherloc (09022015). Collection method: clinical testing. Allele origin: germline.
Comment: This sequence change replaces glutamic acid, which is acidic and polar, with glycine, which is neutral and non-polar, at codon 3 of the SLC3A1 protein (p.Glu3Gly). This variant is present in population databases (rs138311995, gnomAD 0.1%). This variant has not been reported in the literature in individuals affected with SLC3A1-related conditions. ClinVar contains an entry for this variant (Variation ID: 2068627). An algorithm developed to predict the effect of missense changes on protein structure and function (PolyPhen-2) suggests that this variant is likely to be tolerated. In summary, the available evidence is currently insufficient to determine the role of this variant in disease. Therefore, it has been classified as a Variant of Uncertain Significance.